The following is an entry in ClinVar:

ClinVar aggregate classification (germline): Pathogenic/Likely pathogenic. Review status: criteria provided, multiple submitters, no conflicts (2 of 4 stars). 5 submissions from 5 submitters: Pathogenic (1); Likely pathogenic (3). 1 of the submissions does not count toward it. Last evaluated 2025-08-19.

Conditions:
Alport syndrome. Also called: Hemorrhagic familial nephritis; Hemorrhagic hereditary nephritis; Congenital hereditary hematuria. Identifiers: Orphanet 63, MedGen C1567741, MONDO:0018965.
Autosomal recessive Alport syndrome (ATS2). Also called: ALPORT SYNDROME 2, AUTOSOMAL RECESSIVE; Alport syndrome type 2; COL4A3-Related Nephropathy; COL4A4 Alport Syndrome and Thin Basement Membrane Nephropathy. Identifiers: Orphanet 63, Orphanet 88919, MedGen C4746745, MONDO:0008762, OMIM 203780.

Allele frequency attached by ClinVar (database versions not stated): TOPMed below 0.00001; gnomAD 0.00001 and 0.00002; gnomAD exomes 0.00001 and 0.00003; ExAC 0.00002; 1000 Genomes Project 30x 0.00031; 1000 Genomes Project 0.00040.
gnomAD v4.1: 20 of 1,611,504 alleles (0.0012%); highest among the groups gnomAD compares: East Asian, 0.045%; no homozygotes.

Submissions (5):

Myriad Genetics, Inc.
Classification: Likely pathogenic for Alport syndrome. Last evaluated: 2025-08-19. Review status: criteria provided, single submitter. Criteria: Myriad Autosomal Dominant, Autosomal Recessive and X-Linked Classification Criteria (2023). Collection method: clinical testing. Allele origin: unknown.
Comment: NM_000092.4(COL4A4):c.2510G>C(G837A) is a missense variant classified as likely pathogenic in the context of Alport syndrome, COL4A4-related. G837A has been observed in a case with relevant disease (PMID: 24633401). Relevant functional assessments of this variant are not available in the literature. G837A has been observed in referenced population frequency databases. In summary, NM_000092.4(COL4A4):c.2510G>C(G837A) is a missense variant that has been observed more frequently in cases with the relevant disease than in healthy populations. Please note: this variant was assessed in the context of healthy population screening.

Labcorp Genetics (formerly Invitae), Labcorp
Classification: Pathogenic. Last evaluated: 2023-06-20. Review status: criteria provided, single submitter. Criteria: Invitae Variant Classification Sherloc (09022015). Collection method: clinical testing. Allele origin: germline.
Comment: This missense change has been observed in individuals with Alport syndrome (PMID: 24633401, 27281700, 31677115). ClinVar contains an entry for this variant (Variation ID: 553903). Advanced modeling of protein sequence and biophysical properties (such as structural, functional, and spatial information, amino acid conservation, physicochemical variation, residue mobility, and thermodynamic stability) performed at Invitae indicates that this missense variant is expected to disrupt COL4A4 protein function. For these reasons, this variant has been classified as Pathogenic. This variant is present in population databases (rs201648982, gnomAD 0.01%). This sequence change replaces glycine, which is neutral and non-polar, with alanine, which is neutral and non-polar, at codon 837 of the COL4A4 protein (p.Gly837Ala).

3billion
Classification: Likely pathogenic for Autosomal recessive Alport syndrome. Review status: criteria provided, single submitter. Criteria: ACMG Guidelines, 2015. Collection method: clinical testing. Allele origin: unknown. Affected: yes. Observed: 1 heterozygote.
Comment: The variant is observed at an extremely low frequency in the gnomAD v2.1.1 dataset (total allele frequency: <0.001%). In silico tool predictions suggest damaging effect of the variant on gene or gene product (REVEL: 0.97; 3Cnet: 0.36). Same nucleotide change resulting in same amino acid change has been previously reported as pathogenic/likely pathogenic with strong evidence (ClinVar ID: VCV000553903 / PMID: 24633401). Therefore, this variant is classified as Likely pathogenic according to the recommendation of ACMG/AMP guideline.

Juno Genomics, Hangzhou Juno Genomics, Inc
Classification: Likely pathogenic for Autosomal recessive Alport syndrome. Review status: criteria provided, single submitter. Criteria: ACMG Guidelines, 2015. Collection method: clinical testing. Allele origin: germline.
Comment: Absent from controls (or at extremely low frequency if recessive) in Genome Aggregation Database.;Multiple lines of computational evidence support a deleterious effect on the gene or gene product.;For recessive disorders, detected in trans with a pathogenic variant.;Patient's phenotype or family history is highly specific for a disease with a single genetic etiology.

Counsyl
Classification: Likely pathogenic for Autosomal recessive Alport syndrome. Last evaluated: 2017-09-19. Review status: no assertion criteria provided. Collection method: clinical testing. Allele origin: unknown. Not counted in ClinVar's aggregate classification.

Literature cited by the submitters: PubMed 24633401 (cited by 4 submitters); PubMed 27281700 (cited by Labcorp Genetics (formerly Invitae), Labcorp and Counsyl); PubMed 31677115 (cited by Labcorp Genetics (formerly Invitae), Labcorp).

NM_000092.5(COL4A4):c.2510G>C (p.Gly837Ala)

Gene: COL4A4 (collagen type IV alpha 4 chain; minus strand). Cytogenetic location: 2q36.3.
Variant type: single nucleotide variant.
Coding change: c.2510G>C on transcript NM_000092.5 (MANE Select); coding-DNA position 2510, G replaced by C.
Protein change: p.Gly837Ala; replaces glycine 837 with alanine.
Molecular consequence: missense variant.
Genome position (GRCh38, 1-based): chr2:227,057,474, C>G on the plus strand (G>C on the coding strand, the complement: COL4A4 is on the minus strand). VCF-style: chr2-227057474-C-G. GRCh37 (hg19) VCF-style: chr2-227922190-C-G.
Other names: short protein forms G837A.
Identifiers: ClinVar variation 553903 (VCV000553903.13), dbSNP rs201648982, ClinGen allele CA2144796.